The following is an entry in ClinVar:

ClinVar aggregate classification (germline): Uncertain significance. Review status: criteria provided, multiple submitters, no conflicts (2 of 4 stars). 2 submissions from 2 submitters: Uncertain significance (2). Last evaluated 2024-02-07.

Allele frequency attached by ClinVar (database versions not stated): gnomAD 0.00001 and 0.00002; gnomAD exomes 0.00001 and 0.00002; ExAC 0.00002; TOPMed 0.00002; 1000 Genomes Project 30x 0.00031; 1000 Genomes Project 0.00040.
gnomAD v4.1: 8 of 1,613,814 alleles (0.0005%); highest among the groups gnomAD compares: African/African-American, 0.0027%; no homozygotes.

Submissions (2):

Blueprint Genetics
Classification: Uncertain significance. Last evaluated: 2024-02-07. Review status: criteria provided, single submitter. Criteria: ACMG Guidelines, 2015. Collection method: clinical testing. Allele origin: germline.

Labcorp Genetics (formerly Invitae), Labcorp
Classification: Uncertain significance. Last evaluated: 2021-11-01. Review status: criteria provided, single submitter. Criteria: Invitae Variant Classification Sherloc (09022015). Collection method: clinical testing. Allele origin: germline.
Comment: This sequence change replaces serine, which is neutral and polar, with leucine, which is neutral and non-polar, at codon 1934 of the USH2A protein (p.Ser1934Leu). This variant is present in population databases (rs202075825, gnomAD 0.01%). This variant has not been reported in the literature in individuals affected with USH2A-related conditions. Algorithms developed to predict the effect of missense changes on protein structure and function are either unavailable or do not agree on the potential impact of this missense change (SIFT: "Deleterious"; PolyPhen-2: "Benign"; Align-GVGD: "Class C65"). In summary, the available evidence is currently insufficient to determine the role of this variant in disease. Therefore, it has been classified as a Variant of Uncertain Significance.

NM_206933.4(USH2A):c.5801C>T (p.Ser1934Leu)

Genes: USH2A (usherin; minus strand), USH2A-AS2 (USH2A antisense RNA 2; plus strand). Cytogenetic location: 1q41.
Variant type: single nucleotide variant.
Coding change: c.5801C>T on transcript NM_206933.4 (MANE Select); coding-DNA position 5801, C replaced by T.
Protein change: p.Ser1934Leu; replaces serine 1934 with leucine.
Molecular consequence: missense variant.
Genome position (GRCh38, 1-based): chr1:216,072,945, G>A on the plus strand (C>T on the coding strand, the complement: USH2A is on the minus strand). VCF-style: chr1-216072945-G-A. GRCh37 (hg19) VCF-style: chr1-216246287-G-A.
Other names: short protein forms S1934L.
Identifiers: ClinVar variation 1439108 (VCV001439108.4), dbSNP rs202075825, ClinGen allele CA1395349.